The following is an entry in ClinVar:

ClinVar aggregate classification (germline): Uncertain significance (1 of 4 stars; one submission).

Submission:

GeneDx
Classification: Uncertain significance. Last evaluated: 2022-01-28. Review status: criteria provided, single submitter. Criteria: GeneDx Variant Classification Process June 2021. Collection method: clinical testing. Allele origin: germline. Affected: yes.
Comment: Not observed at significant frequency in large population cohorts (gnomAD); In silico analysis supports that this missense variant has a deleterious effect on protein structure/function; Has not been previously published as pathogenic or benign to our knowledge

NM_001161352.2(KCNMA1):c.2986G>T (p.Gly996Trp)

Genes: KCNMA1 (potassium calcium-activated channel subfamily M alpha 1; minus strand), KCNMA1-AS1 (KCNMA1 antisense RNA 1; plus strand). Cytogenetic location: 10q22.3.
Variant type: single nucleotide variant.
Coding change: c.2986G>T on transcript NM_001161352.2 (MANE Select); coding-DNA position 2986, G replaced by T.
Protein change: p.Gly996Trp; replaces glycine 996 with tryptophan.
Molecular consequence: missense variant.
Genome position (GRCh38, 1-based): chr10:76,914,966, C>A on the plus strand (G>T on the coding strand, the complement: KCNMA1 is on the minus strand). VCF-style: chr10-76914966-C-A. GRCh37 (hg19) VCF-style: chr10-78674724-C-A.
Other names: c.2824G>T, p.Gly942Trp (NM_001014797.3, NM_001322835.2, NM_001322837.2); c.2935G>T, p.Gly979Trp (NM_001161353.2); c.2662G>T, p.Gly888Trp (NM_001271518.2); c.2821G>T, p.Gly941Trp (NM_001271519.2, NM_001322829.2, NM_001322836.2); c.2833G>T, p.Gly945Trp (NM_001322830.2); c.2812G>T, p.Gly938Trp (NM_001322832.2, NM_002247.4); c.2359G>T, p.Gly787Trp (NM_001322838.2); short protein forms G787W, G888W, G938W, G941W, G942W, G945W, G979W, G996W.
Identifiers: ClinVar variation 1699676 (VCV001699676.2), dbSNP rs2152435439, ClinGen allele CA377404281.